The following is an entry in ClinVar:

NM_201384.3(PLEC):c.10253T>C (p.Val3418Ala)

Gene: PLEC (plectin; minus strand). Cytogenetic location: 8q24.3.
Variant type: single nucleotide variant.
Coding change: c.10253T>C on transcript NM_201384.3 (MANE Select); coding-DNA position 10253, T replaced by C.
Protein change: p.Val3418Ala; replaces valine 3418 with alanine.
Molecular consequence: missense variant.
Genome position (GRCh38, 1-based): chr8:143,919,568, A>G on the plus strand (T>C on the coding strand, the complement: PLEC is on the minus strand). VCF-style: chr8-143919568-A-G. GRCh37 (hg19) VCF-style: chr8-144993736-A-G.
Other names: c.6953T>C, p.Val2318Ala (NM_001410941.1); c.10211T>C, p.Val3404Ala (NM_201378.4); c.10187T>C, p.Val3396Ala (NM_201379.3); c.10664T>C, p.Val3555Ala (NM_201380.4); c.10157T>C, p.Val3386Ala (NM_201381.3); c.10253T>C, p.Val3418Ala (NM_201382.4); c.10265T>C, p.Val3422Ala (NM_201383.3); c.10334T>C, p.Val3445Ala (NM_000445.5); short protein forms V3386A, V3404A, V3445A, V3555A, V2318A, V3418A, V3396A, V3422A.
Identifiers: ClinVar variation 2924022 (VCV002924022.3), dbSNP rs1563961128, ClinGen allele CA372502473.

ClinVar aggregate classification (germline): Uncertain significance (1 of 4 stars; one submission).

Conditions:
Epidermolysis bullosa simplex with nail dystrophy (EBS5D). Identifiers: MedGen C4225309, MONDO:0014661, OMIM 616487.
Epidermolysis bullosa simplex, Ogna type (EBS5A). Also called: EPIDERMOLYSIS BULLOSA SIMPLEX 5A, OGNA TYPE; Pidermolysis bullosa simplex 5A, Ogna type. Identifiers: Orphanet 79401, MedGen C0432317, MONDO:0007555, OMIM 131950.
Epidermolysis bullosa simplex 5C, with pyloric atresia (EBS5C). Also called: PLEC1-Related Epidermolysis Bullosa with Pyloric Atresia; PLEC-Related Epidermolysis Bullosa with Pyloric Atresia; Epidermolysis bullosa simplex with pyloric atresia. Identifiers: Orphanet 158684, MedGen C2677349, MONDO:0012807, OMIM 612138.
Autosomal recessive limb-girdle muscular dystrophy type 2Q (LGMDR17). Also called: MUSCULAR DYSTROPHY, LIMB-GIRDLE, AUTOSOMAL RECESSIVE 17. Identifiers: Orphanet 254361, MedGen C3150989, MONDO:0013390, OMIM 613723.
Epidermolysis bullosa simplex 5B, with muscular dystrophy (EBS5B). Also called: EPIDERMOLYSIS BULLOSA SIMPLEX AND LIMB-GIRDLE MUSCULAR DYSTROPHY; Epidermolysis bullosa simplex with muscular dystrophy. Identifiers: Orphanet 257, MedGen C2931072, MONDO:0009181, OMIM 226670.

Allele frequency attached by ClinVar (database versions not stated): gnomAD exomes 0.00001.

Submission:

Labcorp Genetics (formerly Invitae), Labcorp
Classification: Uncertain significance for Autosomal recessive limb-girdle muscular dystrophy type 2Q; Epidermolysis bullosa simplex, Ogna type; Epidermolysis bullosa simplex with nail dystrophy; Epidermolysis bullosa simplex 5C, with pyloric atresia; Epidermolysis bullosa simplex 5B, with muscular dystrophy. Last evaluated: 2023-06-21. Review status: criteria provided, single submitter. Criteria: Invitae Variant Classification Sherloc (09022015). Collection method: clinical testing. Allele origin: germline.
Comment: In summary, the available evidence is currently insufficient to determine the role of this variant in disease. Therefore, it has been classified as a Variant of Uncertain Significance. This sequence change replaces valine, which is neutral and non-polar, with alanine, which is neutral and non-polar, at codon 3445 of the PLEC protein (p.Val3445Ala). This variant is not present in population databases (gnomAD no frequency). This variant has not been reported in the literature in individuals affected with PLEC-related conditions. Advanced modeling of protein sequence and biophysical properties (such as structural, functional, and spatial information, amino acid conservation, physicochemical variation, residue mobility, and thermodynamic stability) performed at Invitae indicates that this missense variant is not expected to disrupt PLEC protein function.